The following is an entry in ClinVar:

ClinVar aggregate classification (germline): Uncertain significance (1 of 4 stars; one submission).

Submission:

Laboratory for Molecular Medicine, Mass General Brigham Personalized Medicine
Classification: Uncertain significance. Last evaluated: 2014-04-07. Review status: criteria provided, single submitter. Criteria: LMM Criteria. Collection method: clinical testing. Allele origin: germline. Observed: 1 variant allele.
Comment: Variant classified as Uncertain Significance - Favor Pathogenic. The Pro128Arg v ariant in MAP2K2 has previously been reported in one individual with features of Cardio-facio-cutaneous syndrome (CFC) and was found to have occurred de novo in that individual, though paternity was not reportedly confirmed (Narumi 2007). I n addition, this variant has not been identified in large population studies. Co mputational prediction tools and conservation analysis suggest that the Pro128Ar g variant may impact the protein, though this information is not predictive enou gh to determine pathogenicity. Although these data support that the Pro128Arg va riant may be pathogenic, additional studies are needed to fully assess its clini cal significance.

Literature cited by the submitters: PubMed 17366577.

NM_030662.4(MAP2K2):c.383C>G (p.Pro128Arg)

Gene: MAP2K2 (mitogen-activated protein kinase kinase 2; minus strand). Cytogenetic location: 19p13.3.
Variant type: single nucleotide variant.
Coding change: c.383C>G on transcript NM_030662.4 (MANE Select); coding-DNA position 383, C replaced by G.
Protein change: p.Pro128Arg; replaces proline 128 with arginine.
Molecular consequence: missense variant.
Genome position (GRCh38, 1-based): chr19:4,110,576, G>C on the plus strand (C>G on the coding strand, the complement: MAP2K2 is on the minus strand). VCF-style: chr19-4110576-G-C. GRCh37 (hg19) VCF-style: chr19-4110574-G-C.
Other names: short protein forms P128R.
Identifiers: ClinVar variation 40792 (VCV000040792.4), dbSNP rs267607230, ClinGen allele CA180731.